The following is an entry in ClinVar:

ClinVar aggregate classification (germline): Uncertain significance (1 of 4 stars; one submission).

Allele frequency attached by ClinVar (database versions not stated): gnomAD 0.00001; TOPMed 0.00001; gnomAD exomes 0.00003; ExAC 0.00005.

Submission:

Labcorp Genetics (formerly Invitae), Labcorp
Classification: Uncertain significance. Last evaluated: 2022-06-22. Review status: criteria provided, single submitter. Criteria: Invitae Variant Classification Sherloc (09022015). Collection method: clinical testing. Allele origin: germline.
Comment: In summary, the available evidence is currently insufficient to determine the role of this variant in disease. Therefore, it has been classified as a Variant of Uncertain Significance. Algorithms developed to predict the effect of missense changes on protein structure and function output the following: SIFT: "Tolerated"; PolyPhen-2: "Benign"; Align-GVGD: "Class C0". The tryptophan amino acid residue is found in multiple mammalian species, which suggests that this missense change does not adversely affect protein function. This variant has not been reported in the literature in individuals affected with CABP2-related conditions. The frequency data for this variant in the population databases is considered unreliable, as metrics indicate poor data quality at this position in the gnomAD database. This sequence change replaces arginine, which is basic and polar, with tryptophan, which is neutral and slightly polar, at codon 7 of the CABP2 protein (p.Arg7Trp).

NM_016366.3(CABP2):c.19C>T (p.Arg7Trp)

Gene: CABP2 (calcium binding protein 2; minus strand). Cytogenetic location: 11q13.2.
Variant type: single nucleotide variant.
Coding change: c.19C>T on transcript NM_016366.3 (MANE Select); coding-DNA position 19, C replaced by T.
Protein change: p.Arg7Trp; replaces arginine 7 with tryptophan.
Molecular consequence: missense variant. On other transcripts: synonymous variant (1).
Genome position (GRCh38, 1-based): chr11:67,523,308, G>A on the plus strand (C>T on the coding strand, the complement: CABP2 is on the minus strand). VCF-style: chr11-67523308-G-A. GRCh37 (hg19) VCF-style: chr11-67290779-G-A.
Other names: c.33C>T, p.Ser11= (NM_001318496.2); short protein forms R7W.
Identifiers: ClinVar variation 1900027 (VCV001900027.5), dbSNP rs775415804, ClinGen allele CA6142605.